The following is an entry in ClinVar:

NM_031372.4(HNRNPDL):c.710T>G (p.Val237Gly)

Gene: HNRNPDL (heterogeneous nuclear ribonucleoprotein D like; minus strand). Cytogenetic location: 4q21.22.
Variant type: single nucleotide variant.
Coding change: c.710T>G on transcript NM_031372.4 (MANE Select); coding-DNA position 710, T replaced by G.
Protein change: p.Val237Gly; replaces valine 237 with glycine.
Molecular consequence: missense variant. On other transcripts: non-coding transcript variant (1).
Genome position (GRCh38, 1-based): chr4:82,428,082, A>C on the plus strand (T>G on the coding strand, the complement: HNRNPDL is on the minus strand). VCF-style: chr4-82428082-A-C. GRCh37 (hg19) VCF-style: chr4-83349235-A-C.
Other names: c.710T>G, p.Val237Gly (NM_001207000.1); short protein forms V237G.
Identifiers: ClinVar variation 2428358 (VCV002428358.5), dbSNP rs2530017073, ClinGen allele CA357170666.

ClinVar aggregate classification (germline): Uncertain significance (1 of 4 stars; one submission).

Conditions:
Autosomal dominant limb-girdle muscular dystrophy type 1G (LGMDD3). Also called: Limb-girdle muscular dystrophy, type 1G; MUSCULAR DYSTROPHY, LIMB-GIRDLE, AUTOSOMAL DOMINANT 3. Identifiers: Orphanet 55596, MedGen C1836765, MONDO:0012193, OMIM 609115.

Submission:

Labcorp Genetics (formerly Invitae), Labcorp
Classification: Uncertain significance for Autosomal dominant limb-girdle muscular dystrophy type 1G. Last evaluated: 2022-08-22. Review status: criteria provided, single submitter. Criteria: Invitae Variant Classification Sherloc (09022015). Collection method: clinical testing. Allele origin: germline.
Comment: In summary, the available evidence is currently insufficient to determine the role of this variant in disease. Therefore, it has been classified as a Variant of Uncertain Significance. Algorithms developed to predict the effect of missense changes on protein structure and function (SIFT, PolyPhen-2, Align-GVGD) all suggest that this variant is likely to be disruptive. This variant has not been reported in the literature in individuals affected with HNRNPDL-related conditions. This variant is not present in population databases (gnomAD no frequency). This sequence change replaces valine, which is neutral and non-polar, with glycine, which is neutral and non-polar, at codon 237 of the HNRNPDL protein (p.Val237Gly).